The following is an entry in ClinVar:

ClinVar aggregate classification (germline): Pathogenic. Review status: criteria provided, multiple submitters, no conflicts (2 of 4 stars). 2 submissions from 2 submitters: Pathogenic (2). Last evaluated 2026-01-06.

Conditions:
Hereditary cancer-predisposing syndrome. Also called: Neoplastic Syndromes, Hereditary; Tumor predisposition; Hereditary Cancer Syndrome; Hereditary neoplastic syndrome. Identifiers: Orphanet 140162, MedGen C0027672, MeSH D009386, MONDO:0015356.
Familial thoracic aortic aneurysm and aortic dissection (TAAD). Also called: Thoracic aortic aneurysms and dissections. Identifiers: Orphanet 91387, MedGen C4707243, MONDO:0019625.
Juvenile polyposis syndrome (JPS). Identifiers: Orphanet 2929, MedGen C0345893, MONDO:0017380, OMIM 174900.

Submissions (2):

Labcorp Genetics (formerly Invitae), Labcorp
Classification: Pathogenic for Juvenile polyposis syndrome. Last evaluated: 2026-01-06. Review status: criteria provided, single submitter. Criteria: Invitae Variant Classification Sherloc (09022015). Collection method: clinical testing. Allele origin: germline.
Comment: This sequence change creates a premature translational stop signal (p.Tyr195*) in the SMAD4 gene. It is expected to result in an absent or disrupted protein product. Loss-of-function variants in SMAD4 are known to be pathogenic (PMID: 16152648, 16436638, 22810475). This variant is not present in population databases (gnomAD no frequency). This variant has not been reported in the literature in individuals affected with SMAD4-related conditions. ClinVar contains an entry for this variant (Variation ID: 567396). For these reasons, this variant has been classified as Pathogenic.

Ambry Genetics
Classification: Pathogenic for Hereditary cancer-predisposing syndrome; Familial thoracic aortic aneurysm and aortic dissection. Last evaluated: 2018-10-21. Review status: criteria provided, single submitter. Criteria: Ambry Variant Classification Scheme 2023. Collection method: clinical testing. Allele origin: germline.
Comment: The p.Y195* pathogenic mutation (also known as c.585C>G), located in coding exon 4 of the SMAD4 gene, results from a C to G substitution at nucleotide position 585. This changes the amino acid from a tyrosine to a stop codon within coding exon 4. This alteration is expected to result in loss of function by premature protein truncation or nonsense-mediated mRNA decay. As such, this alteration is interpreted as a disease-causing mutation.

Literature cited by the submitters: PubMed 16152648 (cited by Labcorp Genetics (formerly Invitae), Labcorp); PubMed 16436638 (cited by Labcorp Genetics (formerly Invitae), Labcorp); PubMed 22810475 (cited by Labcorp Genetics (formerly Invitae), Labcorp).

NM_005359.6(SMAD4):c.585C>G (p.Tyr195Ter)

Gene: SMAD4 (SMAD family member 4; plus strand). Cytogenetic location: 18q21.2.
Variant type: single nucleotide variant.
Coding change: c.585C>G on transcript NM_005359.6 (MANE Select); coding-DNA position 585, C replaced by G.
Protein change: p.Tyr195Ter; replaces tyrosine 195 with a stop codon.
Molecular consequence: nonsense.
Genome position (GRCh38, 1-based): chr18:51,054,911, C>G. VCF-style: chr18-51054911-C-G. GRCh37 (hg19) VCF-style: chr18-48581281-C-G.
Other names: short protein forms Y195*.
Identifiers: ClinVar variation 567396 (VCV000567396.10), dbSNP rs1316902116, ClinGen allele CA402461065.
Genomic context (GRCh38, chr18:51,054,911, plus strand): 5'-AGGACATTCAATTCAAACCATCCAGCATCCACCAAGTAATCGTGCATCGACAGAGACATA[C>G]AGCACCCCAGCTCTGTTAGCCCCATCTGAGTCTAATGCTACCAGCACTGCCAACTTTCCC-3'